The following is an entry in ClinVar:

NM_001042492.3(NF1):c.4275del (p.Ile1426fs)

Gene: NF1 (neurofibromin 1; plus strand). Cytogenetic location: 17q11.2.
Variant type: Deletion.
Coding change: c.4275del on transcript NM_001042492.3 (MANE Select); coding-DNA position 4275, one base deleted (G; older notation c.4275delG).
Protein change: p.Ile1426fs; shifts the reading frame from isoleucine 1426.
Molecular consequence: frameshift variant.
Genome position (GRCh38, 1-based): chr17:31,258,445, G deleted; the last of 3 consecutive G bases (chr17:31,258,443-31,258,445); deleting any one gives the same sequence. VCF-style (leftmost placement, unchanged base first): chr17-31258442-AG-A. GRCh37 (hg19) VCF-style: chr17-29585460-AG-A.
Other names: c.4212delG, p.Ile1405Phefs (NM_000267.4); short protein forms I1405fs, I1426fs.
Identifiers: ClinVar variation 2007551 (VCV002007551.4), dbSNP rs2067623178, ClinGen allele CA2580092912.

ClinVar aggregate classification (germline): Pathogenic (1 of 4 stars; one submission).

Conditions:
Neurofibromatosis, type 1 (NF1). Also called: Neurofibromatosis, type I; Peripheral type neurofibromatosis; VON RECKLINGHAUSEN DISEASE; NEUROFIBROMATOSIS, TYPE I, SOMATIC. Identifiers: Orphanet 636, MedGen C0027831, MONDO:0018975, OMIM 162200. Disease mechanism: loss of function.

Submission:

Labcorp Genetics (formerly Invitae), Labcorp
Classification: Pathogenic for Neurofibromatosis, type 1. Last evaluated: 2022-06-17. Review status: criteria provided, single submitter. Criteria: Invitae Variant Classification Sherloc (09022015). Collection method: clinical testing. Allele origin: germline.
Comment: This variant is not present in population databases (gnomAD no frequency). This sequence change creates a premature translational stop signal (p.Ile1405Phefs*2) in the NF1 gene. It is expected to result in an absent or disrupted protein product. Loss-of-function variants in NF1 are known to be pathogenic (PMID: 10712197, 23913538). This variant has not been reported in the literature in individuals affected with NF1-related conditions. For these reasons, this variant has been classified as Pathogenic.

Literature cited by the submitters: PubMed 10712197; PubMed 23913538.